The following is an entry in ClinVar:

NM_013339.4(ALG6):c.1325T>C (p.Leu442Ser)

Gene: ALG6 (ALG6 alpha-1,3-glucosyltransferase; plus strand). Cytogenetic location: 1p31.3.
Variant type: single nucleotide variant.
Coding change: c.1325T>C on transcript NM_013339.4 (MANE Select); coding-DNA position 1325, T replaced by C.
Protein change: p.Leu442Ser; replaces leucine 442 with serine.
Molecular consequence: missense variant.
Genome position (GRCh38, 1-based): chr1:63,429,125, T>C. VCF-style: chr1-63429125-T-C. GRCh37 (hg19) VCF-style: chr1-63894796-T-C.
Other names: short protein forms L442S.
Identifiers: ClinVar variation 1409236 (VCV001409236.6), dbSNP rs2100440907, ClinGen allele CA340640799.

ClinVar aggregate classification (germline): Uncertain significance (1 of 4 stars; one submission).

Conditions:
ALG6-congenital disorder of glycosylation 1C (CDG1C). Also called: CARBOHYDRATE-DEFICIENT GLYCOPROTEIN SYNDROME, TYPE I, WITH DEFICIENT GLYCOSYLATION OF DOLICHOL-LINKED OLIGOSACCHARIDE; CARBOHYDRATE-DEFICIENT GLYCOPROTEIN SYNDROME, TYPE V; Congenital disorder of glycosylation type 1C; Congenital disorder of glycosylation, type Ic; CDG Ic. Identifiers: Orphanet 79320, MedGen C2930997, MONDO:0011291, OMIM 603147.

Submission:

Labcorp Genetics (formerly Invitae), Labcorp
Classification: Uncertain significance for ALG6-congenital disorder of glycosylation 1C. Last evaluated: 2021-08-04. Review status: criteria provided, single submitter. Criteria: Invitae Variant Classification Sherloc (09022015). Collection method: clinical testing. Allele origin: germline.
Comment: This sequence change replaces leucine with serine at codon 442 of the ALG6 protein (p.Leu442Ser). The leucine residue is moderately conserved and there is a large physicochemical difference between leucine and serine. This variant is not present in population databases (ExAC no frequency). In summary, the available evidence is currently insufficient to determine the role of this variant in disease. Therefore, it has been classified as a Variant of Uncertain Significance. Algorithms developed to predict the effect of missense changes on protein structure and function (SIFT, PolyPhen-2, Align-GVGD) all suggest that this variant is likely to be tolerated. This variant has not been reported in the literature in individuals affected with ALG6-related conditions.